The following is an entry in ClinVar:

ClinVar aggregate classification (germline): Uncertain significance. Review status: criteria provided, multiple submitters, no conflicts (2 of 4 stars). 3 submissions from 3 submitters: Uncertain significance (3). Last evaluated 2025-06-17.

Conditions:
RASopathy. Also called: rasopathies; Noonan spectrum disorder. Identifiers: Orphanet 536391, MedGen C5555857, MONDO:0021060.
CBL-related disorder. Also called: NOONAN SYNDROME-LIKE DISORDER WITHOUT JUVENILE MYELOMONOCYTIC LEUKEMIA; CBL MUTATION-ASSOCIATED SYNDROME; CBL SYNDROME. Identifiers: Orphanet 363972, MedGen C3150803, MONDO:0013308, OMIM 613563.
Cardiovascular phenotype. Identifiers: MedGen CN230736.

Allele frequency attached by ClinVar (database versions not stated): gnomAD exomes below 0.00001; ExAC 0.00001.
gnomAD v4.1: 4 of 1,614,164 alleles (0.00025%); highest among the groups gnomAD compares: East Asian, 0.0045%; no homozygotes.

Submissions (3):

St. Jude Molecular Pathology, St. Jude Children's Research Hospital
Classification: Uncertain significance for CBL-related disorder. Last evaluated: 2025-06-17. Review status: criteria provided, single submitter. Criteria: St. Jude Assertion Criteria 2020. Collection method: clinical testing. Allele origin: germline.
Comment: The CBL c.2536C>T p.(Pro846Ser) missense change has a maximum subpopulation frequency of 0.005% in gnomAD v2.1.1. The in silico tool REVEL predicts a benign effect on protein function, but to our knowledge this prediction has not been confirmed by functional studies. To our knowledge, this variant has not been reported in individuals with Noonan syndrome-like disorder. In summary, the evidence currently available is insufficient to determine the clinical significance of this variant. It has therefore been classified as of uncertain significance.

Ambry Genetics
Classification: Uncertain significance for Cardiovascular phenotype. Last evaluated: 2025-04-19. Review status: criteria provided, single submitter. Criteria: Ambry Variant Classification Scheme 2023. Collection method: clinical testing. Allele origin: germline.
Comment: The p.P846S variant (also known as c.2536C>T), located in coding exon 16 of the CBL gene, results from a C to T substitution at nucleotide position 2536. The proline at codon 846 is replaced by serine, an amino acid with similar properties. This amino acid position is conserved. In addition, this alteration is predicted to be tolerated by in silico analysis. Based on the available evidence, the clinical significance of this variant remains unclear.

Labcorp Genetics (formerly Invitae), Labcorp
Classification: Uncertain significance for RASopathy. Last evaluated: 2024-03-21. Review status: criteria provided, single submitter. Criteria: Invitae Variant Classification Sherloc (09022015). Collection method: clinical testing. Allele origin: germline.
Comment: This sequence change replaces proline, which is neutral and non-polar, with serine, which is neutral and polar, at codon 846 of the CBL protein (p.Pro846Ser). This variant is present in population databases (rs745842672, gnomAD 0.006%). This variant has not been reported in the literature in individuals affected with CBL-related conditions. ClinVar contains an entry for this variant (Variation ID: 1919110). Advanced modeling of protein sequence and biophysical properties (such as structural, functional, and spatial information, amino acid conservation, physicochemical variation, residue mobility, and thermodynamic stability) performed at Invitae indicates that this missense variant is not expected to disrupt CBL protein function with a negative predictive value of 95%. In summary, the available evidence is currently insufficient to determine the role of this variant in disease. Therefore, it has been classified as a Variant of Uncertain Significance.

NM_005188.4(CBL):c.2536C>T (p.Pro846Ser)

Gene: CBL (Cbl proto-oncogene; plus strand). Cytogenetic location: 11q23.3.
Variant type: single nucleotide variant.
Coding change: c.2536C>T on transcript NM_005188.4 (MANE Select); coding-DNA position 2536, C replaced by T.
Protein change: p.Pro846Ser; replaces proline 846 with serine.
Molecular consequence: missense variant.
Genome position (GRCh38, 1-based): chr11:119,299,596, C>T. VCF-style: chr11-119299596-C-T. GRCh37 (hg19) VCF-style: chr11-119170306-C-T.
Other names: c.2536C>T (NM_005188.2); short protein forms P846S.
Identifiers: ClinVar variation 1919110 (VCV001919110.7), dbSNP rs745842672, ClinGen allele CA6318806.